The following is an entry in ClinVar:

ClinVar aggregate classification (germline): Uncertain significance (1 of 4 stars; one submission).

Conditions:
Shprintzen-Goldberg syndrome (SGS). Also called: Marfanoid disorder with craniosynostosis type 1; Marfanoid craniosynostosis syndrome; Shprintzen-Goldberg marfanoid syndrome; SHPRINTZEN-GOLDBERG CRANIOSYNOSTOSIS SYNDROME; CRANIOSYNOSTOSIS WITH ARACHNODACTYLY AND ABDOMINAL HERNIAS. Identifiers: Orphanet 2462, MedGen C1321551, MONDO:0008426, OMIM 182212.

Allele frequency attached by ClinVar (database versions not stated): gnomAD 0.00001.
gnomAD v4.1: 3 of 1,544,560 alleles (0.00019%); highest among the groups gnomAD compares: Non-Finnish European, 0.00017%; no homozygotes.

Submission:

Labcorp Genetics (formerly Invitae), Labcorp
Classification: Uncertain significance for Shprintzen-Goldberg syndrome. Last evaluated: 2021-04-17. Review status: criteria provided, single submitter. Criteria: Invitae Variant Classification Sherloc (09022015). Collection method: clinical testing. Allele origin: germline.
Comment: In summary, the available evidence is currently insufficient to determine the role of this variant in disease. Therefore, it has been classified as a Variant of Uncertain Significance. Advanced modeling of protein sequence and biophysical properties (such as structural, functional, and spatial information, amino acid conservation, physicochemical variation, residue mobility, and thermodynamic stability) performed at Invitae indicates that this missense variant is expected to disrupt SKI protein function. This variant has not been reported in the literature in individuals with SKI-related conditions. The frequency data for this variant in the population databases is considered unreliable, as metrics indicate insufficient coverage at this position in the ExAC database. This sequence change replaces arginine with cysteine at codon 692 of the SKI protein (p.Arg692Cys). The arginine residue is moderately conserved and there is a large physicochemical difference between arginine and cysteine.

NM_003036.4(SKI):c.2074C>T (p.Arg692Cys)

Gene: SKI (SKI proto-oncogene; plus strand). Cytogenetic location: 1p36.32.
Variant type: single nucleotide variant.
Coding change: c.2074C>T on transcript NM_003036.4 (MANE Select); coding-DNA position 2074, C replaced by T.
Protein change: p.Arg692Cys; replaces arginine 692 with cysteine.
Molecular consequence: missense variant.
Genome position (GRCh38, 1-based): chr1:2,306,652, C>T. VCF-style: chr1-2306652-C-T. GRCh37 (hg19) VCF-style: chr1-2238091-C-T.
Other names: short protein forms R692C.
Identifiers: ClinVar variation 1470048 (VCV001470048.8), dbSNP rs1341756519, ClinGen allele CA337959681.